The following is an entry in ClinVar:

NM_004208.4(AIFM1):c.262A>G (p.Met88Val)

Genes: AIFM1 (apoptosis inducing factor mitochondria associated 1; minus strand), RAB33A (RAB33A, member RAS oncogene family; plus strand). Cytogenetic location: Xq26.1.
Variant type: single nucleotide variant.
Coding change: c.262A>G on transcript NM_004208.4 (MANE Select); coding-DNA position 262, A replaced by G.
Protein change: p.Met88Val; replaces methionine 88 with valine.
Molecular consequence: missense variant. On other transcripts: non-coding transcript variant (1).
Genome position (GRCh38, 1-based): chrX:130,149,556, T>C on the plus strand (A>G on the coding strand, the complement: AIFM1 is on the minus strand). VCF-style: chrX-130149556-T-C. GRCh37 (hg19) VCF-style: chrX-129283531-T-C.
Other names: c.262A>G, p.Met88Val (NM_001130847.4); c.250A>G, p.Met84Val (NM_145812.3); short protein forms M88V, M84V.
Identifiers: ClinVar variation 367893 (VCV000367893.14), dbSNP rs750098055, ClinGen allele CA10515479.
Genomic context (GRCh38, chrX:130,149,556, plus strand): 5'-GTTCTGGTGTCAGCCCTAACCCTGAAATTCTTTCATTGTATCTTTTTTCATCCTCTTTCA[T>C]AGTCTTGTAGGCCTGCGGATCCAAACATGGAGAAAGTTTATTTCACCATACAGCTAGCTC-3'
Protein context (NP_004199.1, residues 78-98): VGAGAYAYKT[Met88Val]KEDEKRYNER

ClinVar aggregate classification (germline): Benign. Review status: criteria provided, multiple submitters, no conflicts (2 of 4 stars). 3 submissions from 3 submitters: Benign (2). 1 of the submissions does not count toward it. Last evaluated 2026-01-20.

Conditions:
Severe X-linked mitochondrial encephalomyopathy. Also called: ENCEPHALOMYOPATHY, MITOCHONDRIAL, X-LINKED. Identifiers: Orphanet 238329, MedGen C3151753, MONDO:0010437, OMIM 300816.
Charcot-Marie-Tooth Neuropathy X. Identifiers: MedGen CN118851.
Combined oxidative phosphorylation deficiency. Identifiers: MedGen C4540031, MONDO:0000732.
AIFM1-related disorder. Also called: AIFM1-related condition.

Allele frequency attached by ClinVar (database versions not stated): gnomAD exomes 0.00005 and 0.00028; gnomAD 0.00023; ExAC 0.00029; TOPMed 0.00030.
gnomAD v4.1: 63 of 1,198,082 alleles (0.0053%); highest among the groups gnomAD compares: East Asian, 0.17%; no homozygotes.

Submissions (3):

Labcorp Genetics (formerly Invitae), Labcorp
Classification: Benign for Charcot-Marie-Tooth Neuropathy X; Combined oxidative phosphorylation deficiency. Last evaluated: 2026-01-20. Review status: criteria provided, single submitter. Criteria: Invitae Variant Classification Sherloc (09022015). Collection method: clinical testing. Allele origin: germline.

Illumina Laboratory Services, Illumina
Classification: Benign for Severe X-linked mitochondrial encephalomyopathy. Last evaluated: 2018-01-13. Review status: criteria provided, single submitter. Criteria: ICSL Variant Classification Criteria 13 December 2019. Collection method: clinical testing. Allele origin: germline.
Comment: This variant was observed in the ICSL laboratory as part of a predisposition screen in an ostensibly healthy population. It had not been previously curated by ICSL or reported in the Human Gene Mutation Database (HGMD: prior to June 1st, 2018), and was therefore a candidate for classification through an automated scoring system. Utilizing variant allele frequency, disease prevalence and penetrance estimates, and inheritance mode, an automated score was calculated to assess if this variant is too frequent to cause the disease. Based on the score and internal cut-off values, a variant classified as benign is not then subjected to further curation. The score for this variant resulted in a classification of benign for this disease.

PreventionGenetics, part of Exact Sciences
Classification: Likely benign for AIFM1-related condition. Last evaluated: 2022-03-24. Review status: no assertion criteria provided. Collection method: clinical testing. Allele origin: germline. Not counted in ClinVar's aggregate classification.
Comment: This variant is classified as likely benign based on ACMG/AMP sequence variant interpretation guidelines (Richards et al. 2015 PMID: 25741868, with internal and published modifications).